The following is an entry in ClinVar:

NM_001256864.2(DNAJC6):c.143G>C (p.Arg48Pro)

Gene: DNAJC6 (DnaJ heat shock protein family (Hsp40) member C6; plus strand). Cytogenetic location: 1p31.3.
Variant type: single nucleotide variant.
Coding change: c.143G>C on transcript NM_001256864.2 (MANE Select); coding-DNA position 143, G replaced by C.
Protein change: p.Arg48Pro; replaces arginine 48 with proline.
Molecular consequence: missense variant. On other transcripts: intron variant (2).
Genome position (GRCh38, 1-based): chr1:65,309,888, G>C. VCF-style: chr1-65309888-G-C. GRCh37 (hg19) VCF-style: chr1-65775571-G-C.
Other names: c.-130-35723G>C (NM_001256865.2); c.22+44956G>C (NM_014787.4); short protein forms R48P.
Identifiers: ClinVar variation 4533780 (VCV004533780.6).

ClinVar aggregate classification (germline): Uncertain significance (1 of 4 stars; one submission).

gnomAD v4.1: 27 of 1,544,184 alleles (0.0017%); highest among the groups gnomAD compares: Non-Finnish European, 0.0022%; no homozygotes.

Submission:

CeGaT Center for Human Genetics Tuebingen
Classification: Uncertain significance. Last evaluated: 2025-11-01. Review status: criteria provided, single submitter. Criteria: CeGaT Center For Human Genetics Tuebingen Variant Classification Criteria Version 2. Collection method: clinical testing. Allele origin: germline. Affected: yes. Observed: 1 variant allele.
Comment: DNAJC6: PM2